The following is an entry in ClinVar:

NM_025144.4(ALPK1):c.2366G>A (p.Gly789Glu)

Gene: ALPK1 (alpha kinase 1; plus strand). Cytogenetic location: 4q25.
Variant type: single nucleotide variant.
Coding change: c.2366G>A on transcript NM_025144.4 (MANE Select); coding-DNA position 2366, G replaced by A.
Protein change: p.Gly789Glu; replaces glycine 789 with glutamic acid.
Molecular consequence: missense variant.
Genome position (GRCh38, 1-based): chr4:112,431,913, G>A. VCF-style: chr4-112431913-G-A. GRCh37 (hg19) VCF-style: chr4-113353069-G-A.
Other names: c.2366G>A, p.Gly789Glu (NM_001102406.2); c.2132G>A, p.Gly711Glu (NM_001253884.2); short protein forms G789E, G711E.
Identifiers: ClinVar variation 2831953 (VCV002831953.3), dbSNP rs2476506065, ClinGen allele CA357899350.
Genomic context (GRCh38, chr4:112,431,913, plus strand): 5'-TTAGTGAAAGAGGCGCAGGCCCTACATTTAAAGCTAGTCCCTCCTGGGTTGACCCAGAAG[G>A]AGAAACAGCAGAAAGCACTGAAGATGCACCCTTAGACTTTCACAGGGTCCTGCACAATTC-3'
Protein context (NP_079420.3, residues 779-799): KASPSWVDPE[Gly789Glu]ETAESTEDAP

ClinVar aggregate classification (germline): Uncertain significance (1 of 4 stars; one submission).

Submission:

Labcorp Genetics (formerly Invitae), Labcorp
Classification: Uncertain significance. Last evaluated: 2023-01-26. Review status: criteria provided, single submitter. Criteria: Invitae Variant Classification Sherloc (09022015). Collection method: clinical testing. Allele origin: germline.
Comment: In summary, the available evidence is currently insufficient to determine the role of this variant in disease. Therefore, it has been classified as a Variant of Uncertain Significance. Advanced modeling of protein sequence and biophysical properties (such as structural, functional, and spatial information, amino acid conservation, physicochemical variation, residue mobility, and thermodynamic stability) performed at Invitae indicates that this missense variant is not expected to disrupt ALPK1 protein function. This variant has not been reported in the literature in individuals affected with ALPK1-related conditions. This variant is not present in population databases (gnomAD no frequency). This sequence change replaces glycine, which is neutral and non-polar, with glutamic acid, which is acidic and polar, at codon 789 of the ALPK1 protein (p.Gly789Glu).